The following is an entry in ClinVar:

ClinVar aggregate classification (germline): Uncertain significance (1 of 4 stars; one submission).

Conditions:
Lower motor neuron syndrome with late-adult onset (SMAJ). Also called: Late-Onset Spinal Motor Neuronopathy (SMAJ); Spinal muscular atrophy, Jokela type. Identifiers: Orphanet 276435, MedGen C3554398, MONDO:0014025, OMIM 615048.
Frontotemporal dementia and/or amyotrophic lateral sclerosis 2. Also called: FTDALS2. Identifiers: Orphanet 275872, MedGen C4014648, MONDO:0014395, OMIM 615911.
Autosomal dominant mitochondrial myopathy with exercise intolerance (IMMD). Also called: Myopathy, isolated mitochondrial, autosomal dominant. Identifiers: Orphanet 457050, MedGen C4015513, MONDO:0014532, OMIM 616209.

Submission:

Labcorp Genetics (formerly Invitae), Labcorp
Classification: Uncertain significance for Lower motor neuron syndrome with late-adult onset; Frontotemporal dementia and/or amyotrophic lateral sclerosis 2; Autosomal dominant mitochondrial myopathy with exercise intolerance. Last evaluated: 2019-08-13. Review status: criteria provided, single submitter. Criteria: Invitae Variant Classification Sherloc (09022015). Collection method: clinical testing. Allele origin: germline.
Comment: This sequence change replaces alanine with serine at codon 88 of the CHCHD10 protein (p.Ala88Ser). The alanine residue is moderately conserved and there is a moderate physicochemical difference between alanine and serine. The frequency data for this variant in the population databases is considered unreliable, as metrics indicate insufficient coverage at this position in the ExAC database. This variant has not been reported in the literature in individuals with CHCHD10-related conditions. Algorithms developed to predict the effect of missense changes on protein structure and function (SIFT, PolyPhen-2, Align-GVGD) all suggest that this variant is likely to be tolerated, but these predictions have not been confirmed by published functional studies and their clinical significance is uncertain. Algorithms developed to predict the effect of sequence changes on RNA splicing suggest that this variant may disrupt the consensus splice site, but this prediction has not been confirmed by published transcriptional studies. In summary, the available evidence is currently insufficient to determine the role of this variant in disease. Therefore, it has been classified as a Variant of Uncertain Significance.

NM_213720.3(CHCHD10):c.262G>T (p.Ala88Ser)

Gene: CHCHD10 (coiled-coil-helix-coiled-coil-helix domain containing 10; minus strand). Cytogenetic location: 22q11.23.
Variant type: single nucleotide variant.
Coding change: c.262G>T on transcript NM_213720.3 (MANE Select); coding-DNA position 262, G replaced by T.
Protein change: p.Ala88Ser; replaces alanine 88 with serine.
Molecular consequence: missense variant. On other transcripts: non-coding transcript variant (2).
Genome position (GRCh38, 1-based): chr22:23,766,275, C>A on the plus strand (G>T on the coding strand, the complement: CHCHD10 is on the minus strand). VCF-style: chr22-23766275-C-A. GRCh37 (hg19) VCF-style: chr22-24108462-C-A.
Other names: c.283G>T, p.Ala95Ser (NM_001301339.2); short protein forms A95S, A88S.
Identifiers: ClinVar variation 940618 (VCV000940618.9), dbSNP rs1926806684, ClinGen allele CA410915306.